The following is an entry in ClinVar:

NM_001127222.2(CACNA1A):c.1782-6C>T

Gene: CACNA1A (calcium voltage-gated channel subunit alpha1 A; minus strand). Cytogenetic location: 19p13.13.
Variant type: single nucleotide variant.
Coding change: c.1782-6C>T on transcript NM_001127222.2 (MANE Select); 6 bases into the intron before coding-DNA position 1782, C replaced by T.
Molecular consequence: intron variant.
Genome position (GRCh38, 1-based): chr19:13,308,257, G>A on the plus strand (C>T on the coding strand, the complement: CACNA1A is on the minus strand). VCF-style: chr19-13308257-G-A. GRCh37 (hg19) VCF-style: chr19-13419071-G-A.
Other names: c.1785-6C>T (NM_001127221.2, NM_001174080.2, NM_000068.4 and 1 more transcripts); c.1782-6C>T (NM_001127222.1).
Identifiers: ClinVar variation 500377 (VCV000500377.26), dbSNP rs201350764, ClinGen allele CA9240720.

ClinVar aggregate classification (germline): Conflicting classifications of pathogenicity. Review status: criteria provided, conflicting classifications (1 of 4 stars). 7 submissions from 7 submitters: Uncertain significance (1); Benign (1); Likely benign (4). 1 of the submissions does not count toward it. Last evaluated 2026-09-01.

Conditions:
Developmental and epileptic encephalopathy, 42 (DEE42A). Also called: DEVELOPMENTAL AND EPILEPTIC ENCEPHALOPATHY 42A; EPILEPTIC ENCEPHALOPATHY, EARLY INFANTILE, 42A; Epileptic encephalopathy, early infantile, 42. Identifiers: MedGen C4310716, MONDO:0014917, OMIM 617106.
Episodic ataxia type 2 (EA2). Also called: CEREBELLAR ATAXIA, PAROXYSMAL, ACETAZOLAMIDE-RESPONSIVE; CEREBELLOPATHY, HEREDITARY PAROXYSMAL; EPISODIC ATAXIA, NYSTAGMUS-ASSOCIATED; ACETAZOLAMIDE-RESPONSIVE HEREDITARY PAROXYSMAL CEREBELLAR ATAXIA; ATAXIA, EPISODIC, WITH NYSTAGMUS; ATAXIA, FAMILIAL PAROXYSMAL. Identifiers: Orphanet 97, MedGen C1720416, MONDO:0007163, OMIM 108500.
CACNA1A-related disorder. Also called: CACNA1A-related condition.

Allele frequency attached by ClinVar (database versions not stated): gnomAD exomes 0.00008 and 0.00009; ExAC 0.00010; gnomAD 0.00011 and 0.00016; TOPMed 0.00024; 1000 Genomes Project 0.00060; 1000 Genomes Project 30x 0.00062.
gnomAD v4.1: 157 of 1,610,732 alleles (0.0097%); highest among the groups gnomAD compares: Admixed American, 0.044%; no homozygotes.

Submissions (7):

CeGaT Center for Human Genetics Tuebingen
Classification: Likely benign. Last evaluated: 2026-09-01. Review status: criteria provided, single submitter. Criteria: CeGaT Center For Human Genetics Tuebingen Variant Classification Criteria Version 2. Collection method: clinical testing. Allele origin: germline. Affected: yes. Observed: 2 variant alleles.
Comment: CACNA1A: BP4

Labcorp Genetics (formerly Invitae), Labcorp
Classification: Likely benign for Developmental and epileptic encephalopathy, 42; Episodic ataxia type 2. Last evaluated: 2026-01-12. Review status: criteria provided, single submitter. Criteria: Invitae Variant Classification Sherloc (09022015). Collection method: clinical testing. Allele origin: germline.

Blueprint Genetics
Classification: Likely benign. Last evaluated: 2024-05-29. Review status: criteria provided, single submitter. Criteria: ACMG Guidelines, 2015. Collection method: clinical testing. Allele origin: germline.

GeneDx
Classification: Likely benign. Last evaluated: 2021-04-09. Review status: criteria provided, single submitter. Criteria: GeneDx Variant Classification Process June 2021. Collection method: clinical testing. Allele origin: germline. Affected: yes.

Athena Diagnostics
Classification: Benign. Last evaluated: 2018-01-30. Review status: criteria provided, single submitter. Criteria: Athena Diagnostics Criteria. Collection method: clinical testing. Allele origin: germline.

Eurofins Ntd Llc (ga)
Classification: Uncertain significance. Last evaluated: 2017-03-08. Review status: criteria provided, single submitter. Criteria: EGL Classification Definitions 2015. Collection method: clinical testing. Allele origin: germline. Observed: 1 variant allele, 1 heterozygote.

PreventionGenetics, part of Exact Sciences
Classification: Likely benign for CACNA1A-related condition. Last evaluated: 2020-03-03. Review status: no assertion criteria provided. Collection method: clinical testing. Allele origin: germline. Not counted in ClinVar's aggregate classification.
Comment: This variant is classified as likely benign based on ACMG/AMP sequence variant interpretation guidelines (Richards et al. 2015 PMID: 25741868, with internal and published modifications).